The following is an entry in ClinVar:

NM_031935.3(HMCN1):c.6793G>A (p.Ala2265Thr)

Gene: HMCN1 (hemicentin 1; plus strand). Cytogenetic location: 1q31.1.
Variant type: single nucleotide variant.
Coding change: c.6793G>A on transcript NM_031935.3 (MANE Select); coding-DNA position 6793, G replaced by A.
Protein change: p.Ala2265Thr; replaces alanine 2265 with threonine.
Molecular consequence: missense variant.
Genome position (GRCh38, 1-based): chr1:186,053,917, G>A. VCF-style: chr1-186053917-G-A. GRCh37 (hg19) VCF-style: chr1-186023049-G-A.
Other names: short protein forms A2265T.
Identifiers: ClinVar variation 3525897 (VCV003525897.3).

ClinVar aggregate classification (germline): Uncertain significance. Review status: criteria provided, multiple submitters, no conflicts (2 of 4 stars). 2 submissions from 2 submitters: Uncertain significance (2). Last evaluated 2025-12-17.

gnomAD v4.1: 1 of 1,612,616 alleles (0.000062%); highest among the groups gnomAD compares: Non-Finnish European, 0.000085%; no homozygotes.

Submissions (2):

Labcorp Genetics (formerly Invitae), Labcorp
Classification: Uncertain significance. Last evaluated: 2025-12-17. Review status: criteria provided, single submitter. Criteria: Invitae Variant Classification Sherloc (09022015). Collection method: clinical testing. Allele origin: germline.
Comment: This sequence change replaces alanine, which is neutral and non-polar, with threonine, which is neutral and polar, at codon 2265 of the HMCN1 protein (p.Ala2265Thr). This variant is not present in population databases (gnomAD no frequency). This variant has not been reported in the literature in individuals affected with HMCN1-related conditions. ClinVar contains an entry for this variant (Variation ID: 3525897). An algorithm developed to predict the effect of missense changes on protein structure and function (PolyPhen-2) suggests that this variant is likely to be tolerated. In summary, the available evidence is currently insufficient to determine the role of this variant in disease. Therefore, it has been classified as a Variant of Uncertain Significance.

Ambry Genetics
Classification: Uncertain significance. Last evaluated: 2024-08-27. Review status: criteria provided, single submitter. Criteria: Ambry Variant Classification Scheme 2023. Collection method: clinical testing. Allele origin: germline.